The following is an entry in ClinVar:

NM_002709.3(PPP1CB):c.15G>C (p.Glu5Asp)

Gene: PPP1CB (protein phosphatase 1 catalytic subunit beta; plus strand). Cytogenetic location: 2p23.2.
Variant type: single nucleotide variant.
Coding change: c.15G>C on transcript NM_002709.3 (MANE Select); coding-DNA position 15, G replaced by C.
Protein change: p.Glu5Asp; replaces glutamic acid 5 with aspartic acid.
Molecular consequence: missense variant.
Genome position (GRCh38, 1-based): chr2:28,752,139, G>C. VCF-style: chr2-28752139-G-C. GRCh37 (hg19) VCF-style: chr2-28975005-G-C.
Other names: c.15G>C, p.Glu5Asp (NM_206876.2); short protein forms E5D.
Identifiers: ClinVar variation 4804651 (VCV004804651.1).

ClinVar aggregate classification (germline): Uncertain significance (1 of 4 stars; one submission).

Submission:

Labcorp Genetics (formerly Invitae), Labcorp
Classification: Uncertain significance. Last evaluated: 2025-02-18. Review status: criteria provided, single submitter. Criteria: Invitae Variant Classification Sherloc (09022015). Collection method: clinical testing. Allele origin: germline.
Comment: This sequence change replaces glutamic acid, which is acidic and polar, with aspartic acid, which is acidic and polar, at codon 5 of the PPP1CB protein (p.Glu5Asp). This variant is not present in population databases (gnomAD no frequency). This variant has not been reported in the literature in individuals affected with PPP1CB-related conditions. An algorithm developed to predict the effect of missense changes on protein structure and function (PolyPhen-2) suggests that this variant is likely to be tolerated. In summary, the available evidence is currently insufficient to determine the role of this variant in disease. Therefore, it has been classified as a Variant of Uncertain Significance.